The following is an entry in ClinVar:

ClinVar aggregate classification (germline): Uncertain significance (1 of 4 stars; one submission).

Submission:

GeneDx
Classification: Uncertain significance. Last evaluated: 2024-02-13. Review status: criteria provided, single submitter. Criteria: GeneDx Variant Classification Process June 2021. Collection method: clinical testing. Allele origin: germline. Affected: yes.
Comment: Not observed at significant frequency in large population cohorts (gnomAD); Canonical splice site variant with an unclear effect on protein function; Has not been previously published as pathogenic or benign to our knowledge

NM_004958.4(MTOR):c.6811-1G>A

Gene: MTOR (mechanistic target of rapamycin kinase; minus strand). Cytogenetic location: 1p36.22.
Variant type: single nucleotide variant.
Coding change: c.6811-1G>A on transcript NM_004958.4 (MANE Select); the canonical splice acceptor site of the intron before coding-DNA position 6811, G replaced by A.
Molecular consequence: splice acceptor variant.
Genome position (GRCh38, 1-based): chr1:11,121,369, C>T on the plus strand (G>A on the coding strand, the complement: MTOR is on the minus strand). VCF-style: chr1-11121369-C-T. GRCh37 (hg19) VCF-style: chr1-11181426-C-T.
Other names: c.5563-1G>A (NM_001386501.1); c.6811-1G>A (NM_001386500.1).
Identifiers: ClinVar variation 3252583 (VCV003252583.1), dbSNP rs2522176004.
Genomic context (GRCh38, chr1:11,121,369, plus strand): 5'-GGCATGCTCAAACACCTCCACCTTCTGCATCAGAGTCAAGTGGTCATAGTCCGGAGCCAT[C>T]TGCATCAGGACACAACTGTTCAGTAAGAGAGCAGCCTAAGACATGTAGTTTGGGTCCAGG-3'